The following is an entry in ClinVar:

NM_000051.4(ATM):c.2926G>A (p.Val976Met)

Gene: ATM (ATM serine/threonine kinase; plus strand). Cytogenetic location: 11q22.3.
Variant type: single nucleotide variant.
Coding change: c.2926G>A on transcript NM_000051.4 (MANE Select); coding-DNA position 2926, G replaced by A.
Protein change: p.Val976Met; replaces valine 976 with methionine.
Molecular consequence: missense variant.
Genome position (GRCh38, 1-based): chr11:108,271,255, G>A. VCF-style: chr11-108271255-G-A. GRCh37 (hg19) VCF-style: chr11-108141982-G-A.
Other names: c.2926G>A, p.Val976Met (NM_001351834.2); short protein forms V976M.
Identifiers: ClinVar variation 822276 (VCV000822276.15), dbSNP rs1178628574, ClinGen allele CA382547082.

ClinVar aggregate classification (germline): Uncertain significance. Review status: criteria provided, multiple submitters, no conflicts (2 of 4 stars). 4 submissions from 4 submitters: Uncertain significance (4). Last evaluated 2026-01-28.

Conditions:
Hereditary cancer-predisposing syndrome. Also called: Hereditary Cancer Syndrome; Neoplastic Syndromes, Hereditary; Hereditary neoplastic syndrome; Tumor predisposition. Identifiers: Orphanet 140162, MedGen C0027672, MeSH D009386, MONDO:0015356.
Familial cancer of breast. Also called: Hereditary breast cancer; hereditary breast carcinoma; BREAST CANCER, FAMILIAL. Identifiers: Orphanet 227535, MedGen C0346153, MONDO:0016419, OMIM 114480. Disease mechanism: loss of function.
Ataxia-telangiectasia syndrome (AT). Also called: Cerebello-oculocutaneous telangiectasia; Immunodeficiency with ataxia telangiectasia; Ataxia-telangiectasia, complementation group E; Ataxia-telangiectasia, complementation group D; AT, COMPLEMENTATION GROUP C; ATAXIA-TELANGIECTASIA, COMPLEMENTATION GROUP A. Identifiers: Orphanet 100, MedGen C0004135, MONDO:0008840, OMIM 208900.
Breast and/or ovarian cancer. Identifiers: MedGen CN221562.

Submissions (4):

Labcorp Genetics (formerly Invitae), Labcorp
Classification: Uncertain significance for Ataxia-telangiectasia syndrome. Last evaluated: 2026-01-28. Review status: criteria provided, single submitter. Criteria: Invitae Variant Classification Sherloc (09022015). Collection method: clinical testing. Allele origin: germline.
Comment: This sequence change replaces valine, which is neutral and non-polar, with methionine, which is neutral and non-polar, at codon 976 of the ATM protein (p.Val976Met). This variant is not present in population databases (gnomAD no frequency). This variant has not been reported in the literature in individuals affected with ATM-related conditions. ClinVar contains an entry for this variant (Variation ID: 822276). Invitae Evidence Modeling of protein sequence and biophysical properties (such as structural, functional, and spatial information, amino acid conservation, physicochemical variation, residue mobility, and thermodynamic stability) indicates that this missense variant is not expected to disrupt ATM protein function with a negative predictive value of 95%. In summary, the available evidence is currently insufficient to determine the role of this variant in disease. Therefore, it has been classified as a Variant of Uncertain Significance.

Fulgent Genetics
Classification: Uncertain significance for Familial cancer of breast; Ataxia-telangiectasia syndrome. Last evaluated: 2024-02-01. Review status: criteria provided, single submitter. Criteria: ACMG Guidelines, 2015. Collection method: clinical testing. Allele origin: germline.

Ambry Genetics
Classification: Uncertain significance for Hereditary cancer-predisposing syndrome. Last evaluated: 2023-08-24. Review status: criteria provided, single submitter. Criteria: Ambry Variant Classification Scheme 2023. Collection method: clinical testing. Allele origin: germline.
Comment: The p.V976M variant (also known as c.2926G>A), located in coding exon 19 of the ATM gene, results from a G to A substitution at nucleotide position 2926. The valine at codon 976 is replaced by methionine, an amino acid with highly similar properties. This amino acid position is not well conserved in available vertebrate species. In addition, the in silico prediction for this alteration is inconclusive. Since supporting evidence is limited at this time, the clinical significance of this alteration remains unclear.

CHEO Genetics Diagnostic Laboratory, Children's Hospital of Eastern Ontario
Classification: Uncertain significance for Breast and/or ovarian cancer. Last evaluated: 2020-04-28. Review status: criteria provided, single submitter. Criteria: ACMG Guidelines, 2015. Collection method: clinical testing. Allele origin: germline.